The following is an entry in ClinVar:

ClinVar aggregate classification (germline): Uncertain significance (1 of 4 stars; one submission).

Submission:

Labcorp Genetics (formerly Invitae), Labcorp
Classification: Uncertain significance. Last evaluated: 2024-10-22. Review status: criteria provided, single submitter. Criteria: Invitae Variant Classification Sherloc (09022015). Collection method: clinical testing. Allele origin: germline.
Comment: This sequence change replaces alanine, which is neutral and non-polar, with threonine, which is neutral and polar, at codon 43 of the ADIPOR1 protein (p.Ala43Thr). This variant is not present in population databases (gnomAD no frequency). This variant has not been reported in the literature in individuals affected with ADIPOR1-related conditions. ClinVar contains an entry for this variant (Variation ID: 953806). An algorithm developed to predict the effect of missense changes on protein structure and function outputs the following: PolyPhen-2: "Benign". The threonine amino acid residue is found in multiple mammalian species, which suggests that this missense change does not adversely affect protein function. In summary, the available evidence is currently insufficient to determine the role of this variant in disease. Therefore, it has been classified as a Variant of Uncertain Significance.

NM_015999.6(ADIPOR1):c.127G>A (p.Ala43Thr)

Gene: ADIPOR1 (adiponectin receptor 1; minus strand). Cytogenetic location: 1q32.1.
Variant type: single nucleotide variant.
Coding change: c.127G>A on transcript NM_015999.6 (MANE Select); coding-DNA position 127, G replaced by A.
Protein change: p.Ala43Thr; replaces alanine 43 with threonine.
Molecular consequence: missense variant.
Genome position (GRCh38, 1-based): chr1:202,950,944, C>T on the plus strand (G>A on the coding strand, the complement: ADIPOR1 is on the minus strand). VCF-style: chr1-202950944-C-T. GRCh37 (hg19) VCF-style: chr1-202920072-C-T.
Other names: c.127G>A, p.Ala43Thr (NM_001290553.2, NM_001290557.1, NM_001290629.1); short protein forms A43T.
Identifiers: ClinVar variation 953806 (VCV000953806.9), dbSNP rs1228660588, ClinGen allele CA344284623.